The following is an entry in ClinVar:

NM_022437.3(ABCG8):c.166-24G>A

Gene: ABCG8 (ATP binding cassette subfamily G member 8; plus strand). Cytogenetic location: 2p21.
Variant type: single nucleotide variant.
Coding change: c.166-24G>A on transcript NM_022437.3 (MANE Select); 24 bases into the intron before coding-DNA position 166, G replaced by A.
Molecular consequence: intron variant.
Genome position (GRCh38, 1-based): chr2:43,846,131, G>A. VCF-style: chr2-43846131-G-A. GRCh37 (hg19) VCF-style: chr2-44073270-G-A.
Other names: p.?; c.166-24G>A (NM_001357321.2).
Identifiers: ClinVar variation 4684564 (VCV004684564.1).

ClinVar aggregate classification (germline): Likely benign (1 of 4 stars; one submission).

gnomAD v4.1: 4,105 of 1,612,204 alleles (0.25%); highest among the groups gnomAD compares: South Asian, 0.68%; 15 homozygotes.

Submission:

Mayo Clinic Laboratories, Mayo Clinic
Classification: Likely benign. Last evaluated: 2025-05-23. Review status: criteria provided, single submitter. Criteria: ACMG Guidelines, 2015. Collection method: clinical testing. Allele origin: germline. Observed: 4 variant alleles.
Comment: BS1, BP4, BP7